The following is an entry in ClinVar:

ClinVar aggregate classification (germline): Uncertain significance (1 of 4 stars; one submission).

Submission:

Labcorp Genetics (formerly Invitae), Labcorp
Classification: Uncertain significance. Last evaluated: 2020-04-02. Review status: criteria provided, single submitter. Criteria: Invitae Variant Classification Sherloc (09022015). Collection method: clinical testing. Allele origin: germline.
Comment: In summary, the available evidence is currently insufficient to determine the role of this variant in disease. Therefore, it has been classified as a Variant of Uncertain Significance. Algorithms developed to predict the effect of missense changes on protein structure and function (SIFT, PolyPhen-2, Align-GVGD) all suggest that this variant is likely to be disruptive, but these predictions have not been confirmed by published functional studies and their clinical significance is uncertain. This variant has not been reported in the literature in individuals with POLE-related conditions. This variant is not present in population databases (ExAC no frequency). This sequence change replaces aspartic acid with glycine at codon 1834 of the POLE protein (p.Asp1834Gly). The aspartic acid residue is highly conserved and there is a moderate physicochemical difference between aspartic acid and glycine.

NM_006231.4(POLE):c.5501A>G (p.Asp1834Gly)

Gene: POLE (DNA polymerase epsilon, catalytic subunit; minus strand). Cytogenetic location: 12q24.33.
Variant type: single nucleotide variant.
Coding change: c.5501A>G on transcript NM_006231.4 (MANE Select); coding-DNA position 5501, A replaced by G.
Protein change: p.Asp1834Gly; replaces aspartic acid 1834 with glycine.
Molecular consequence: missense variant.
Genome position (GRCh38, 1-based): chr12:132,639,176, T>C on the plus strand (A>G on the coding strand, the complement: POLE is on the minus strand). VCF-style: chr12-132639176-T-C. GRCh37 (hg19) VCF-style: chr12-133215762-T-C.
Other names: short protein forms D1834G.
Identifiers: ClinVar variation 1017918 (VCV001017918.8), dbSNP rs2042091934, ClinGen allele CA387374637.